The following is an entry in ClinVar:

ClinVar aggregate classification (germline): Pathogenic (1 of 4 stars; one submission).

Conditions:
Spondylodysplastic Ehlers-Danlos syndrome. Identifiers: Orphanet 536471, Orphanet 75496, MedGen C5680154, MONDO:0007526.

Submission:

Labcorp Genetics (formerly Invitae), Labcorp
Classification: Pathogenic for Spondylodysplastic Ehlers-Danlos syndrome. Last evaluated: 2025-09-04. Review status: criteria provided, single submitter. Criteria: Invitae Variant Classification Sherloc (09022015). Collection method: clinical testing. Allele origin: germline.
Comment: This sequence change creates a premature translational stop signal (p.His93Profs*28) in the B4GALT7 gene. It is expected to result in an absent or disrupted protein product. Loss-of-function variants in B4GALT7 are known to be pathogenic (PMID: 26940150, 31614862, 38431799). This variant is not present in population databases (gnomAD no frequency). This variant has not been reported in the literature in individuals affected with B4GALT7-related conditions. For these reasons, this variant has been classified as Pathogenic.

Literature cited by the submitters: PubMed 26940150; PubMed 31614862; PubMed 38431799.

NM_007255.3(B4GALT7):c.276_277dup (p.His93fs)

Gene: B4GALT7 (beta-1,4-galactosyltransferase 7; plus strand). Cytogenetic location: 5q35.3.
Variant type: Duplication.
Coding change: c.276_277dup on transcript NM_007255.3 (MANE Select); coding-DNA positions 276 to 277, 2 bases duplicated (CC; older notation c.276_277dupCC).
Protein change: p.His93fs; shifts the reading frame from histidine 93.
Molecular consequence: frameshift variant.
Genome position (GRCh38, 1-based): chr5:177,604,404-177,604,405, CC duplicated; duplicating any 2 consecutive bases within chr5:177,604,401-177,604,405 gives the same sequence; the c. name uses the placement nearest the transcript's 3' end. VCF-style (leftmost placement, unchanged base first): chr5-177604400-G-GCC. GRCh37 (hg19) VCF-style: chr5-177031401-G-GCC.
Other names: short protein forms H93fs.
Identifiers: ClinVar variation 4773076 (VCV004773076.1).
Genomic context (GRCh38, chr5:177,604,400, plus strand): 5'-CTCCCCGTGCCTGCCCCCCAGAGCCGCCCCCTGAGCACTGGGAAGAAGACGCATCCTGGG[G>GCC]CCCCCACCGCCTGGCAGTGCTGGTGCCCTTCCGCGAACGCTTCGAGGAGCTCCTGGTCTT-3'